The following is an entry in ClinVar:

NM_001291303.3(FAT4):c.6094A>G (p.Thr2032Ala)

Gene: FAT4 (FAT atypical cadherin 4; plus strand). Cytogenetic location: 4q28.1.
Variant type: single nucleotide variant.
Coding change: c.6094A>G on transcript NM_001291303.3 (MANE Select); coding-DNA position 6094, A replaced by G.
Protein change: p.Thr2032Ala; replaces threonine 2032 with alanine.
Molecular consequence: missense variant.
Genome position (GRCh38, 1-based): chr4:125,415,057, A>G. VCF-style: chr4-125415057-A-G. GRCh37 (hg19) VCF-style: chr4-126336212-A-G.
Other names: c.6094A>G, p.Thr2032Ala (NM_001291285.3, NM_024582.6); short protein forms T2032A.
Identifiers: ClinVar variation 426899 (VCV000426899.16), dbSNP rs147314754, ClinGen allele CA3072869.

ClinVar aggregate classification (germline): Conflicting classifications of pathogenicity. Review status: criteria provided, conflicting classifications (1 of 4 stars). 6 submissions from 6 submitters: Uncertain significance (3); Likely benign (1). 2 of the submissions do not count toward it. Last evaluated 2026-01-04.

Conditions:
Hennekam lymphangiectasia-lymphedema syndrome 2 (HKLLS2). Identifiers: Orphanet 2136, MedGen C4014939, MONDO:0014454, OMIM 616006.

Allele frequency attached by ClinVar (database versions not stated): gnomAD 0.00015 and 0.00016; ExAC 0.00017; TOPMed 0.00017; 1000 Genomes Project 0.00020; gnomAD exomes 0.00020 and 0.00033; 1000 Genomes Project 30x 0.00031; ESP Exome Variant Server 0.00031.
gnomAD v4.1: 507 of 1,614,076 alleles (0.031%); highest among the groups gnomAD compares: Non-Finnish European, 0.041%; no homozygotes.

Submissions (6):

Labcorp Genetics (formerly Invitae), Labcorp
Classification: Likely benign. Last evaluated: 2026-01-04. Review status: criteria provided, single submitter. Criteria: Invitae Variant Classification Sherloc (09022015). Collection method: clinical testing. Allele origin: germline.

GeneDx
Classification: Uncertain significance. Last evaluated: 2025-04-30. Review status: criteria provided, single submitter. Criteria: GeneDx Variant Classification Process June 2021. Collection method: clinical testing. Allele origin: germline. Affected: yes.
Comment: In silico analysis indicates that this missense variant does not alter protein structure/function; Has not been previously published as pathogenic or benign to our knowledge

Clinical Genomics Laboratory, Washington University in St. Louis
Classification: Uncertain significance for Hennekam lymphangiectasia-lymphedema syndrome 2. Last evaluated: 2023-09-29. Review status: criteria provided, single submitter. Criteria: ACMG Guidelines, 2015. Collection method: clinical testing. Allele origin: germline.
Comment: The FAT4 c.6094A>G (p.Thr2032Ala) variant was identified at a near heterozygous allelic fraction. This variant, to our knowledge, has not been reported in the literature. This variant has been reported in the ClinVar database as a variant of uncertain significance by multiple submitters and likely benign variant by one submitter (ClinVar ID: 426899). Computational predictors are uncertain as to the impact of this variant on FAT4 function. Due to limited information, and based on ACMG/AMP guidelines for variant interpretation (Richards S et al., PMID: 25741868), the clinical significance of this variant is uncertain at this time.

Revvity Omics, Revvity
Classification: Uncertain significance. Last evaluated: 2021-02-05. Review status: criteria provided, single submitter. Criteria: ACMG Guidelines, 2015. Collection method: clinical testing. Allele origin: germline.

Clinical Genetics DNA and cytogenetics Diagnostics Lab, Erasmus MC, Erasmus Medical Center
Classification: Uncertain significance. Review status: no assertion criteria provided. Collection method: clinical testing. Allele origin: germline. Affected: yes. Study: VKGL Data-share Consensus. Not counted in ClinVar's aggregate classification.

Clinical Genetics, Academic Medical Center
Classification: Uncertain significance. Review status: no assertion criteria provided. Collection method: clinical testing. Allele origin: germline. Affected: yes. Study: VKGL Data-share Consensus. Not counted in ClinVar's aggregate classification.